The following is an entry in ClinVar:

ClinVar aggregate classification (germline): Conflicting classifications of pathogenicity. Review status: criteria provided, conflicting classifications (1 of 4 stars). 5 submissions from 5 submitters: Uncertain significance (1); Likely benign (3). 1 of the submissions does not count toward it. Last evaluated 2026-01-19.

Conditions:
Glutaric acidemia type 2A.
Multiple acyl-CoA dehydrogenase deficiency (MADD). Also called: Glutaric Acidemia type 2; ETHYLMALONIC-ADIPICACIDURIA; GA II; Glutaric aciduria, type 2; Glutaric acidemia type II; GA 2. Identifiers: Orphanet 26791, MedGen C0268596, MONDO:0009282, OMIM 231680.

Allele frequency attached by ClinVar (database versions not stated): gnomAD exomes 0.00015; 1000 Genomes Project 30x 0.00016; ExAC 0.00019; gnomAD 0.00072 and 0.00081; TOPMed 0.00102.

Submissions (5):

Labcorp Genetics (formerly Invitae), Labcorp
Classification: Likely benign for Multiple acyl-CoA dehydrogenase deficiency. Last evaluated: 2026-01-19. Review status: criteria provided, single submitter. Criteria: Invitae Variant Classification Sherloc (09022015). Collection method: clinical testing. Allele origin: germline.

Blueprint Genetics
Classification: Likely benign. Last evaluated: 2024-07-15. Review status: criteria provided, single submitter. Criteria: ACMG Guidelines, 2015. Collection method: clinical testing. Allele origin: germline.

GeneDx
Classification: Likely benign. Last evaluated: 2017-11-09. Review status: criteria provided, single submitter. Criteria: GeneDx Variant Classification (06012015). Collection method: clinical testing. Allele origin: germline. Affected: yes.
Comment: This variant is considered likely benign or benign based on one or more of the following criteria: it is a conservative change, it occurs at a poorly conserved position in the protein, it is predicted to be benign by multiple in silico algorithms, and/or has population frequency not consistent with disease.

Eurofins Ntd Llc (ga)
Classification: Uncertain significance. Last evaluated: 2015-11-22. Review status: criteria provided, single submitter. Criteria: EGL Classification Definitions 2015. Collection method: clinical testing. Allele origin: germline. Observed: 1 variant allele, 1 heterozygote.

Natera, Inc.
Classification: Likely benign for Glutaric acidemia type 2A. Last evaluated: 2019-11-11. Review status: no assertion criteria provided. Collection method: clinical testing. Allele origin: germline. Not counted in ClinVar's aggregate classification.

NM_000126.4(ETFA):c.6C>T (p.Phe2=)

Gene: ETFA (electron transfer flavoprotein subunit alpha; minus strand). Cytogenetic location: 15q24.3.
Variant type: single nucleotide variant.
Coding change: c.6C>T on transcript NM_000126.4 (MANE Select); coding-DNA position 6, C replaced by T.
Protein change: p.Phe2=; no amino-acid change (phenylalanine 2 retained).
Molecular consequence: synonymous variant.
Genome position (GRCh38, 1-based): chr15:76,311,383, G>A on the plus strand (C>T on the coding strand, the complement: ETFA is on the minus strand). VCF-style: chr15-76311383-G-A. GRCh37 (hg19) VCF-style: chr15-76603724-G-A.
Other names: c.6C>T, p.Phe2= (NM_001127716.2).
Identifiers: ClinVar variation 284234 (VCV000284234.20), dbSNP rs749929239, ClinGen allele CA7673900.
Genomic context (GRCh38, chr15:76,311,383, plus strand): 5'-GGGTTCGCCTTCCCAGTCCGGACTCACCGCCCGCCGGAGCTGCCCCGGAGCCGCCGCTCG[G>A]AACATGGTCTCCGCTTCCGCCGCAACCTCGGCCTTACAGCAGCCCCGTGCCCGGCCAACT-3'
Protein context (NP_000117.1, residues 1-12): M[Phe2=]RAAAPGQLRR